The following is an entry in ClinVar:

ClinVar aggregate classification (germline): Uncertain significance (0 of 4 stars; one submission).

Conditions:
PCNT-related disorder. Also called: PCNT-related condition.

gnomAD v4.1: 8 of 1,614,008 alleles (0.0005%); highest among the groups gnomAD compares: Non-Finnish European, 0.00068%; no homozygotes.

Submission:

PreventionGenetics, part of Exact Sciences
Classification: Uncertain significance for PCNT-related condition. Last evaluated: 2024-09-07. Review status: no assertion criteria provided. Collection method: clinical testing. Allele origin: germline.
Comment: The PCNT c.5143G>A variant is predicted to result in the amino acid substitution p.Glu1715Lys. To our knowledge, this variant has not been reported in the literature. This variant is reported in 0.00088% of alleles in individuals of European (Non-Finnish) descent in gnomAD. At this time, the clinical significance of this variant is uncertain due to the absence of conclusive functional and genetic evidence.

NM_006031.6(PCNT):c.5143G>A (p.Glu1715Lys)

Gene: PCNT (pericentrin; plus strand). Cytogenetic location: 21q22.3.
Variant type: single nucleotide variant.
Coding change: c.5143G>A on transcript NM_006031.6 (MANE Select); coding-DNA position 5143, G replaced by A.
Protein change: p.Glu1715Lys; replaces glutamic acid 1715 with lysine.
Molecular consequence: missense variant.
Genome position (GRCh38, 1-based): chr21:46,411,216, G>A. VCF-style: chr21-46411216-G-A. GRCh37 (hg19) VCF-style: chr21-47831130-G-A.
Other names: c.4789G>A, p.Glu1597Lys (NM_001315529.2); short protein forms E1597K, E1715K.
Identifiers: ClinVar variation 3353269 (VCV003353269.1).